The following is an entry in ClinVar:

ClinVar aggregate classification (germline): Benign/Likely benign. Review status: criteria provided, multiple submitters, no conflicts (2 of 4 stars). 4 submissions from 4 submitters: Benign (2); Likely benign (2). Last evaluated 2026-03-01.

Allele frequency attached by ClinVar (database versions not stated): gnomAD exomes 0.00017 and 0.00042; ExAC 0.00048; 1000 Genomes Project 30x 0.00141; gnomAD 0.00157 and 0.00170; 1000 Genomes Project 0.00160; ESP Exome Variant Server 0.00164; TOPMed 0.00185.
gnomAD v4.1: 492 of 1,606,752 alleles (0.031%); highest among the groups gnomAD compares: African/African-American, 0.55%; no homozygotes.

Submissions (4):

CeGaT Center for Human Genetics Tuebingen
Classification: Likely benign. Last evaluated: 2026-03-01. Review status: criteria provided, single submitter. Criteria: CeGaT Center For Human Genetics Tuebingen Variant Classification Criteria Version 2. Collection method: clinical testing. Allele origin: germline. Affected: yes. Observed: 2 variant alleles.
Comment: IQSEC1: BP4, BP7

Women's Health and Genetics/Laboratory Corporation of America, LabCorp
Classification: Likely benign. Last evaluated: 2025-09-05. Review status: criteria provided, single submitter. Criteria: LabCorp Variant Classification Summary - May 2015. Collection method: clinical testing. Allele origin: germline.

Labcorp Genetics (formerly Invitae), Labcorp
Classification: Benign. Last evaluated: 2019-12-31. Review status: criteria provided, single submitter. Criteria: Invitae Variant Classification Sherloc (09022015). Collection method: clinical testing. Allele origin: germline.

Breakthrough Genomics
Classification: Benign. Review status: criteria provided, single submitter. Criteria: ACMG Guidelines, 2015. Collection method: not provided. Allele origin: germline. Inheritance: Autosomal recessive inheritance. Affected: yes.

NM_001134382.3(IQSEC1):c.1146G>A (p.Ser382=)

Gene: IQSEC1 (IQ motif and Sec7 domain ArfGEF 1; minus strand). Cytogenetic location: 3p25.2.
Variant type: single nucleotide variant.
Coding change: c.1146G>A on transcript NM_001134382.3 (MANE Select); coding-DNA position 1146, G replaced by A.
Protein change: p.Ser382=; no amino-acid change (serine 382 retained).
Molecular consequence: synonymous variant.
Genome position (GRCh38, 1-based): chr3:12,935,870, C>T on the plus strand (G>A on the coding strand, the complement: IQSEC1 is on the minus strand). VCF-style: chr3-12935870-C-T. GRCh37 (hg19) VCF-style: chr3-12977370-C-T.
Other names: c.822G>A, p.Ser274= (NM_001330619.3); c.1470G>A, p.Ser490= (NM_001376938.2); c.1188G>A, p.Ser396= (NM_014869.8).
Identifiers: ClinVar variation 720556 (VCV000720556.10), dbSNP rs149092904, ClinGen allele CA2262337.